The following is an entry in ClinVar:

NM_024334.3(TMEM43):c.164G>A (p.Gly55Asp)

Gene: TMEM43 (transmembrane protein 43; plus strand). Cytogenetic location: 3p25.1.
Variant type: single nucleotide variant.
Coding change: c.164G>A on transcript NM_024334.3 (MANE Select); coding-DNA position 164, G replaced by A.
Protein change: p.Gly55Asp; replaces glycine 55 with aspartic acid.
Molecular consequence: missense variant.
Genome position (GRCh38, 1-based): chr3:14,130,823, G>A. VCF-style: chr3-14130823-G-A. GRCh37 (hg19) VCF-style: chr3-14172323-G-A.
Other names: short protein forms G55D.
Identifiers: ClinVar variation 191781 (VCV000191781.16), dbSNP rs201453637, ClinGen allele CA024614.

ClinVar aggregate classification (germline): Conflicting classifications of pathogenicity. Review status: criteria provided, conflicting classifications (1 of 4 stars). 6 submissions from 6 submitters: Uncertain significance (1); Likely benign (5). Last evaluated 2025-11-14.

Conditions:
TMEM43-related disorder. Also called: TMEM43-related condition.
Cardiovascular phenotype. Identifiers: MedGen CN230736.
Cardiomyopathy (CMYO). Also called: Cardiomyopathies. Identifiers: Orphanet 167848, MedGen C0878544, MONDO:0004994, HP:0001638. Inheritance: Various modes of inheritance.
Arrhythmogenic right ventricular dysplasia 5. Also called: Arrhythmogenic Right Ventricular Dysplasia/Cardiomyopathy 5; ARRHYTHMOGENIC RIGHT VENTRICULAR DYSPLASIA, FAMILIAL, 5. Identifiers: MedGen C1858379, MONDO:0011459, OMIM 604400.

Allele frequency attached by ClinVar (database versions not stated): gnomAD 0.00001 and 0.00007; TOPMed 0.00003; ESP Exome Variant Server 0.00008; gnomAD exomes 0.00010 and 0.00020; ExAC 0.00022.
gnomAD v4.1: 156 of 1,613,628 alleles (0.0097%); highest among the groups gnomAD compares: South Asian, 0.13%; 2 homozygotes.

Submissions (6):

PreventionGenetics, part of Exact Sciences
Classification: Likely benign for TMEM43-related condition. Last evaluated: 2025-11-14. Review status: criteria provided, single submitter. Criteria: ACMG Guidelines, 2015. Collection method: clinical testing. Allele origin: germline.
Comment: This variant is classified as likely benign based on ACMG/AMP sequence variant interpretation guidelines (Richards et al. 2015 PMID: 25741868, with internal and published modifications).

Labcorp Genetics (formerly Invitae), Labcorp
Classification: Likely benign for Arrhythmogenic right ventricular dysplasia 5. Last evaluated: 2025-09-02. Review status: criteria provided, single submitter. Criteria: Invitae Variant Classification Sherloc (09022015). Collection method: clinical testing. Allele origin: germline.

Blueprint Genetics
Classification: Likely benign. Last evaluated: 2023-08-28. Review status: criteria provided, single submitter. Criteria: ACMG Guidelines, 2015. Collection method: clinical testing. Allele origin: germline.

Ambry Genetics
Classification: Likely benign for Cardiovascular phenotype. Last evaluated: 2021-03-29. Review status: criteria provided, single submitter. Criteria: Ambry Variant Classification Scheme 2023. Collection method: clinical testing. Allele origin: germline.

Color Diagnostics, LLC DBA Color Health
Classification: Likely benign for Cardiomyopathy. Last evaluated: 2018-10-25. Review status: criteria provided, single submitter. Criteria: ACMG Guidelines, 2015. Collection method: clinical testing. Allele origin: germline.

Biesecker Lab/Clinical Genomics Section, National Institutes of Health
Classification: Uncertain significance. Last evaluated: 2013-06-24. Review status: criteria provided, single submitter. Criteria: Ng et al. (Circ Cardiovasc Genet. 2013). Collection method: research. Allele origin: unknown. Observed: 1 variant allele. Study: ClinSeq.
Comment: The study set was not selected for affection status in relation to any cancer. Pathogenicity categories were based on literature curation. See Pubmed ID:23861362 for details.

Medical sequencing

Literature cited by the submitters: PubMed 23861362 (cited by Ambry Genetics); PubMed 31376648 (cited by Ambry Genetics).